The following is an entry in ClinVar:

ClinVar aggregate classification (germline): Conflicting classifications of pathogenicity. Review status: criteria provided, conflicting classifications (1 of 4 stars). 4 submissions from 4 submitters: Uncertain significance (1); Likely benign (2). 1 of the submissions does not count toward it. Last evaluated 2026-02-04.

Conditions:
Autosomal recessive osteopetrosis 2. Also called: OSTEOPETROSIS, MILD AUTOSOMAL RECESSIVE FORM. Identifiers: Orphanet 667, MedGen C1850126, MONDO:0009816, OMIM 259710.
TNFSF11-related disorder. Also called: TNFSF11-related condition.

Allele frequency attached by ClinVar (database versions not stated): TOPMed 0.00020; gnomAD 0.00023 and 0.00024; gnomAD exomes 0.00025 and 0.00032; ExAC 0.00028; ESP Exome Variant Server 0.00031.
gnomAD v4.1: 507 of 1,614,104 alleles (0.031%); highest among the groups gnomAD compares: Non-Finnish European, 0.036%; 1 homozygote.

Submissions (4):

Labcorp Genetics (formerly Invitae), Labcorp
Classification: Likely benign. Last evaluated: 2026-02-04. Review status: criteria provided, single submitter. Criteria: Invitae Variant Classification Sherloc (09022015). Collection method: clinical testing. Allele origin: germline.

Blueprint Genetics
Classification: Likely benign. Last evaluated: 2024-11-06. Review status: criteria provided, single submitter. Criteria: ACMG Guidelines, 2015. Collection method: clinical testing. Allele origin: germline.

Illumina Laboratory Services, Illumina
Classification: Uncertain significance for Autosomal recessive osteopetrosis 2. Last evaluated: 2018-01-12. Review status: criteria provided, single submitter. Criteria: ICSL Variant Classification Criteria 13 December 2019. Collection method: clinical testing. Allele origin: germline.

PreventionGenetics, part of Exact Sciences
Classification: Likely benign for TNFSF11-related condition. Last evaluated: 2019-10-28. Review status: no assertion criteria provided. Collection method: clinical testing. Allele origin: germline. Not counted in ClinVar's aggregate classification.
Comment: This variant is classified as likely benign based on ACMG/AMP sequence variant interpretation guidelines (Richards et al. 2015 PMID: 25741868, with internal and published modifications).

NM_003701.4(TNFSF11):c.534T>C (p.Gly178=)

Gene: TNFSF11 (TNF superfamily member 11; plus strand). Cytogenetic location: 13q14.11.
Variant type: single nucleotide variant.
Coding change: c.534T>C on transcript NM_003701.4 (MANE Select); coding-DNA position 534, T replaced by C.
Protein change: p.Gly178=; no amino-acid change (glycine 178 retained).
Molecular consequence: synonymous variant.
Genome position (GRCh38, 1-based): chr13:42,606,498, T>C. VCF-style: chr13-42606498-T-C. GRCh37 (hg19) VCF-style: chr13-43180634-T-C.
Other names: c.315T>C, p.Gly105= (NM_033012.4).
Identifiers: ClinVar variation 312235 (VCV000312235.15), dbSNP rs146484645, ClinGen allele CA6967267.